The following is an entry in ClinVar:

ClinVar aggregate classification (germline): Uncertain significance. Review status: criteria provided, single submitter (1 of 4 stars). 2 submissions from 2 submitters: Uncertain significance (1). 1 of the submissions does not count toward it. Last evaluated 2025-04-14.

Conditions:
Autoimmune lymphoproliferative syndrome type 1. Also called: AUTOIMMUNE LYMPHOPROLIFERATIVE SYNDROME, TYPE I, AUTOSOMAL DOMINANT. Identifiers: Orphanet 3261, MedGen C2717884, MONDO:0011158, OMIM 601859.
FASLG-related disorder. Also called: FASLG-related condition.

Submissions (2):

Labcorp Genetics (formerly Invitae), Labcorp
Classification: Uncertain significance for Autoimmune lymphoproliferative syndrome. Last evaluated: 2025-04-14. Review status: criteria provided, single submitter. Criteria: Invitae Variant Classification Sherloc (09022015). Collection method: clinical testing. Allele origin: germline.
Comment: This variant, c.144_146del, results in the deletion of 1 amino acid(s) of the FASLG protein (p.Pro53del), but otherwise preserves the integrity of the reading frame. The frequency data for this variant in the population databases is considered unreliable, as metrics indicate poor data quality at this position in the gnomAD database. This variant has not been reported in the literature in individuals affected with FASLG-related conditions. Experimental studies and prediction algorithms are not available or were not evaluated, and the functional significance of this variant is currently unknown. In summary, the available evidence is currently insufficient to determine the role of this variant in disease. Therefore, it has been classified as a Variant of Uncertain Significance.

PreventionGenetics, part of Exact Sciences
Classification: Likely benign for FASLG-related condition. Last evaluated: 2024-02-05. Review status: no assertion criteria provided. Collection method: clinical testing. Allele origin: germline. Not counted in ClinVar's aggregate classification.
Comment: This variant is classified as likely benign based on ACMG/AMP sequence variant interpretation guidelines (Richards et al. 2015 PMID: 25741868, with internal and published modifications).

NM_000639.3(FASLG):c.135ACC[3] (p.Pro53del)

Gene: FASLG (Fas ligand; plus strand). Cytogenetic location: 1q24.3.
Variant type: Microsatellite.
Coding change: c.135ACC[3] on transcript NM_000639.3 (MANE Select); three copies in a row of the 3-base unit ACC starting at c.135; the reference has four copies in a row; one copy, 3 bases deleted.
Protein change: p.Pro53del; deletes proline 53.
Molecular consequence: inframe deletion.
Genome position (GRCh38, 1-based): chr1:172,659,345-172,659,347, ACC deleted; deleting any 3 consecutive bases within chr1:172,659,334-172,659,347 gives the same sequence; the position shown is the placement nearest the transcript's 3' end. VCF-style (leftmost placement, unchanged base first): chr1-172659333-GCCA-G. GRCh37 (hg19) VCF-style: chr1-172628473-GCCA-G.
Other names: c.135ACC[3], p.Pro53del (NM_001302746.2); c.144_146delACC (NM_000639.2); short protein forms P53del.
Identifiers: ClinVar variation 1036255 (VCV001036255.5), dbSNP rs750792722, ClinGen allele CA1247445.